The following is an entry in ClinVar:

ClinVar aggregate classification (germline): Uncertain significance (1 of 4 stars; one submission).

Conditions:
Isovaleryl-CoA dehydrogenase deficiency (IVA). Also called: ISOVALERIC ACID CoA DEHYDROGENASE DEFICIENCY; Isovaleric acidemia; Classic Isovaleric Acidemia; IVD DEFICIENCY. Identifiers: Orphanet 33, MedGen C0268575, MONDO:0009475, OMIM 243500.

Submission:

Labcorp Genetics (formerly Invitae), Labcorp
Classification: Uncertain significance for Isovaleryl-CoA dehydrogenase deficiency. Last evaluated: 2021-12-21. Review status: criteria provided, single submitter. Criteria: Invitae Variant Classification Sherloc (09022015). Collection method: clinical testing. Allele origin: germline.
Comment: In summary, the available evidence is currently insufficient to determine the role of this variant in disease. Therefore, it has been classified as a Variant of Uncertain Significance. Algorithms developed to predict the effect of missense changes on protein structure and function are either unavailable or do not agree on the potential impact of this missense change (SIFT: "Deleterious"; PolyPhen-2: "Benign"; Align-GVGD: "Class C15"). This variant has not been reported in the literature in individuals affected with IVD-related conditions. This variant is not present in population databases (gnomAD no frequency). This sequence change replaces aspartic acid, which is acidic and polar, with asparagine, which is neutral and polar, at codon 244 of the IVD protein (p.Asp244Asn).

NM_002225.5(IVD):c.721G>A (p.Asp241Asn)

Gene: IVD (isovaleryl-CoA dehydrogenase; plus strand). Cytogenetic location: 15q15.1.
Variant type: single nucleotide variant.
Coding change: c.721G>A on transcript NM_002225.5 (MANE Select); coding-DNA position 721, G replaced by A.
Protein change: p.Asp241Asn; replaces aspartic acid 241 with asparagine.
Molecular consequence: missense variant. On other transcripts: non-coding transcript variant (1).
Genome position (GRCh38, 1-based): chr15:40,413,024, G>A. VCF-style: chr15-40413024-G-A. GRCh37 (hg19) VCF-style: chr15-40705223-G-A.
Other names: c.631G>A, p.Asp211Asn (NM_001159508.3); c.673G>A, p.Asp225Asn (NM_001354597.3); c.721G>A, p.Asp241Asn (NM_001354598.3, NM_001354601.3); c.808G>A, p.Asp270Asn (NM_001354599.3, NM_001354600.3); short protein forms D211N, D241N, D225N, D270N.
Identifiers: ClinVar variation 1390529 (VCV001390529.6), dbSNP rs2141340100, ClinGen allele CA391718806.